The following is an entry in ClinVar:

NM_033337.3(CAV3):c.454del (p.Ter152LysextTer?)

Genes: CAV3 (caveolin 3; plus strand), OXTR (oxytocin receptor; minus strand). Cytogenetic location: 3p25.3.
Variant type: Deletion.
Coding change: c.454del on transcript NM_033337.3 (MANE Select); coding-DNA position 454, one base deleted (T; older notation c.454delT).
Protein change: p.Ter152LysextTer?.
Molecular consequence: frameshift variant, stop lost.
Genome position (GRCh38, 1-based): chr3:8,745,865, T deleted. VCF-style (leftmost placement, unchanged base first): chr3-8745864-CT-C. GRCh37 (hg19) VCF-style: chr3-8787550-CT-C.
Other names: c.454del, p.Ter152LysextTer? (NM_001234.5).
Identifiers: ClinVar variation 804668 (VCV000804668.8), dbSNP rs1575478107, ClinGen allele CA915941861.

ClinVar aggregate classification (germline): Uncertain significance. Review status: criteria provided, multiple submitters, no conflicts (2 of 4 stars). 3 submissions from 3 submitters: Uncertain significance (3). Last evaluated 2022-09-16.

Conditions:
Long QT syndrome (LQTS). Identifiers: MedGen C0023976, MeSH D008133, MONDO:0002442. Disease mechanism: loss of function. Inheritance: Various modes of inheritance.

Submissions (3):

GeneDx
Classification: Uncertain significance. Last evaluated: 2022-09-16. Review status: criteria provided, single submitter. Criteria: GeneDx Variant Classification Process June 2021. Collection method: clinical testing. Allele origin: germline. Affected: yes.
Comment: Not observed at significant frequency in large population cohorts (gnomAD); Normal stop codon changed to a Lysine codon, leading to the addition of 100 amino acids at the C-terminus; Has not been previously published as pathogenic or benign to our knowledge

Athena Diagnostics
Classification: Uncertain significance. Last evaluated: 2019-07-26. Review status: criteria provided, single submitter. Criteria: Athena Diagnostics Criteria. Collection method: clinical testing. Allele origin: germline.

Labcorp Genetics (formerly Invitae), Labcorp
Classification: Uncertain significance for Long QT syndrome. Last evaluated: 2019-02-14. Review status: criteria provided, single submitter. Criteria: Invitae Variant Classification Sherloc (09022015). Collection method: clinical testing. Allele origin: germline.
Comment: Experimental studies and prediction algorithms are not available for this variant, and the functional significance of the affected amino acid(s) is currently unknown. This variant has not been reported in the literature in individuals with CAV3-related conditions. This variant is not present in population databases (ExAC no frequency). This variant, c.454del, disrupts the translational stop signal of CAV3 and is expected to extend the length of the protein by 100 additional amino acid residues. In summary, the available evidence is currently insufficient to determine the role of this variant in disease. Therefore, it has been classified as a Variant of Uncertain Significance.